The following is an entry in ClinVar:

ClinVar aggregate classification (germline): Uncertain significance (1 of 4 stars; one submission).

Conditions:
BAP1-related tumor predisposition syndrome (TPDS1). Also called: BAP1 tumor predisposition syndrome; Tumor susceptibility linked to germline BAP1 mutations; COMMON Syndrome; TUMOR PREDISPOSITION SYNDROME 1. Identifiers: Orphanet 289539, MedGen C3280492, MONDO:0013692, OMIM 614327.

Submission:

Labcorp Genetics (formerly Invitae), Labcorp
Classification: Uncertain significance for BAP1-related tumor predisposition syndrome. Last evaluated: 2022-09-22. Review status: criteria provided, single submitter. Criteria: Invitae Variant Classification Sherloc (09022015). Collection method: clinical testing. Allele origin: germline.
Comment: In summary, the available evidence is currently insufficient to determine the role of this variant in disease. Therefore, it has been classified as a Variant of Uncertain Significance. Advanced modeling of protein sequence and biophysical properties (such as structural, functional, and spatial information, amino acid conservation, physicochemical variation, residue mobility, and thermodynamic stability) performed at Invitae indicates that this missense variant is not expected to disrupt BAP1 protein function. This variant has not been reported in the literature in individuals affected with BAP1-related conditions. This variant is not present in population databases (gnomAD no frequency). This sequence change replaces glycine, which is neutral and non-polar, with arginine, which is basic and polar, at codon 424 of the BAP1 protein (p.Gly424Arg).

NM_004656.4(BAP1):c.1270G>C (p.Gly424Arg)

Gene: BAP1 (BRCA1 associated deubiquitinase 1; minus strand). Cytogenetic location: 3p21.1.
Variant type: single nucleotide variant.
Coding change: c.1270G>C on transcript NM_004656.4 (MANE Select); coding-DNA position 1270, G replaced by C.
Protein change: p.Gly424Arg; replaces glycine 424 with arginine.
Molecular consequence: missense variant.
Genome position (GRCh38, 1-based): chr3:52,403,875, C>G on the plus strand (G>C on the coding strand, the complement: BAP1 is on the minus strand). VCF-style: chr3-52403875-C-G. GRCh37 (hg19) VCF-style: chr3-52437891-C-G.
Other names: c.1216G>C, p.Gly406Arg (NM_001410772.1); short protein forms G424R, G406R.
Identifiers: ClinVar variation 2079134 (VCV002079134.4), dbSNP rs1314277139, ClinGen allele CA353102436.
Genomic context (GRCh38, chr3:52,403,875, plus strand): 5'-TGTTGGGCTGCAGCACTGACAGTTGCCCATCAGCAGAACCGCTCAATGCCCCTGGCTTCC[C>G]TGTTCCCTTCCCCTTATACCTGTGGGGCCCGAGAAGATGTGAAGCAAGGGAACGGGCCAG-3'
Protein context (NP_004647.1, residues 414-434): SALRYKGKGT[Gly424Arg]KPGALSGSAD